The following is an entry in ClinVar:

ClinVar aggregate classification (germline): Uncertain significance (1 of 4 stars; one submission).

Submission:

Labcorp Genetics (formerly Invitae), Labcorp
Classification: Uncertain significance. Last evaluated: 2021-02-12. Review status: criteria provided, single submitter. Criteria: Invitae Variant Classification Sherloc (09022015). Collection method: clinical testing. Allele origin: germline.
Comment: In summary, the available evidence is currently insufficient to determine the role of this variant in disease. Therefore, it has been classified as a Variant of Uncertain Significance. Nucleotide substitutions within the consensus splice site are a relatively common cause of aberrant splicing (PMID: 17576681, 9536098). Algorithms developed to predict the effect of sequence changes on RNA splicing suggest that this variant is not likely to affect RNA splicing, but this prediction has not been confirmed by published transcriptional studies. This variant has not been reported in the literature in individuals with MSH3-related conditions. This variant is not present in population databases (ExAC no frequency). This sequence change falls in intron 7 of the MSH3 gene. It does not directly change the encoded amino acid sequence of the MSH3 protein, but it affects a nucleotide within the consensus splice site of the intron.

Literature cited by the submitters: PubMed 17576681; PubMed 9536098.

NM_002439.5(MSH3):c.1174-3T>C

Gene: MSH3 (mutS homolog 3; plus strand). Cytogenetic location: 5q14.1.
Variant type: single nucleotide variant.
Coding change: c.1174-3T>C on transcript NM_002439.5 (MANE Select); 3 bases into the intron before coding-DNA position 1174, T replaced by C.
Molecular consequence: intron variant.
Genome position (GRCh38, 1-based): chr5:80,678,924, T>C. VCF-style: chr5-80678924-T-C. GRCh37 (hg19) VCF-style: chr5-79974743-T-C.
Identifiers: ClinVar variation 1062428 (VCV001062428.9), dbSNP rs2112818931, ClinGen allele CA2499217936.